The following is an entry in ClinVar:

NM_001127178.3(PIGG):c.1457T>C (p.Val486Ala)

Gene: PIGG (phosphatidylinositol glycan anchor biosynthesis class G (EMM blood group); plus strand). Cytogenetic location: 4p16.3.
Variant type: single nucleotide variant.
Coding change: c.1457T>C on transcript NM_001127178.3 (MANE Select); coding-DNA position 1457, T replaced by C.
Protein change: p.Val486Ala; replaces valine 486 with alanine.
Molecular consequence: missense variant. On other transcripts: 3 prime UTR variant (2), 5 prime UTR variant (2), non-coding transcript variant (10).
Genome position (GRCh38, 1-based): chr4:521,784, T>C. VCF-style: chr4-521784-T-C. GRCh37 (hg19) VCF-style: chr4-515573-T-C.
Other names: c.1190T>C, p.Val397Ala (NM_001289051.2, NM_001289053.2, NM_001345986.2); c.1058T>C, p.Val353Ala (NM_001289052.2); c.*19T>C (NM_001289055.2); c.*72T>C (NM_001289057.2); c.1166T>C, p.Val389Ala (NM_001345987.2); c.428T>C, p.Val143Ala (NM_001345988.2); c.1457T>C, p.Val486Ala (NM_001345989.2); c.-77T>C (NM_001345990.2, NM_001345991.2); and 2 more; short protein forms V120A, V143A, V353A, V389A, V486A, V397A, V478A.
Identifiers: ClinVar variation 1441946 (VCV001441946.8), dbSNP rs2108948014, ClinGen allele CA355904614.

ClinVar aggregate classification (germline): Uncertain significance (1 of 4 stars; one submission).

Conditions:
Intellectual disability, autosomal recessive 53 (NEDHSCA). Also called: GLYCOSYLPHOSPHATIDYLINOSITOL BIOSYNTHESIS DEFECT 13; Mental retardation, autosomal recessive 53; NEURODEVELOPMENTAL DISORDER WITH OR WITHOUT HYPOTONIA, SEIZURES, AND CEREBELLAR ATROPHY. Identifiers: Orphanet 488635, MedGen C4310794, MONDO:0014832, OMIM 616917.

Submission:

Labcorp Genetics (formerly Invitae), Labcorp
Classification: Uncertain significance for Intellectual disability, autosomal recessive 53. Last evaluated: 2021-03-26. Review status: criteria provided, single submitter. Criteria: Invitae Variant Classification Sherloc (09022015). Collection method: clinical testing. Allele origin: germline.
Comment: This sequence change replaces valine with alanine at codon 486 of the PIGG protein (p.Val486Ala). The valine residue is weakly conserved and there is a small physicochemical difference between valine and alanine. This variant is not present in population databases (ExAC no frequency). This variant has not been reported in the literature in individuals with PIGG-related conditions. Algorithms developed to predict the effect of missense changes on protein structure and function are either unavailable or do not agree on the potential impact of this missense change (SIFT: "Deleterious"; PolyPhen-2: "Benign"; Align-GVGD: "Class C0"). In summary, the available evidence is currently insufficient to determine the role of this variant in disease. Therefore, it has been classified as a Variant of Uncertain Significance.